The following is an entry in ClinVar:

ClinVar aggregate classification (germline): Uncertain significance. Review status: criteria provided, multiple submitters, no conflicts (2 of 4 stars). 2 submissions from 2 submitters: Uncertain significance (2). Last evaluated 2025-11-26.

Conditions:
Hereditary cancer-predisposing syndrome. Also called: Hereditary Cancer Syndrome; Tumor predisposition; Neoplastic Syndromes, Hereditary; Hereditary neoplastic syndrome. Identifiers: Orphanet 140162, MedGen C0027672, MeSH D009386, MONDO:0015356.
Ataxia-telangiectasia syndrome (AT). Also called: ATAXIA-TELANGIECTASIA, FRESNO VARIANT; Ataxia-telangiectasia, complementation group E; Ataxia telangiectasia (A-T); Cerebello-oculocutaneous telangiectasia; Immunodeficiency with ataxia telangiectasia; LOUIS-BAR SYNDROME. Identifiers: Orphanet 100, MedGen C0004135, MONDO:0008840, OMIM 208900.

Allele frequency attached by ClinVar (database versions not stated): gnomAD exomes below 0.00001; gnomAD 0.00001.
gnomAD v4.1: 2 of 1,610,858 alleles (0.00012%); highest among the groups gnomAD compares: Non-Finnish European, 0.00017%; no homozygotes.

Submissions (2):

Labcorp Genetics (formerly Invitae), Labcorp
Classification: Uncertain significance for Ataxia-telangiectasia syndrome. Last evaluated: 2025-11-26. Review status: criteria provided, single submitter. Criteria: Invitae Variant Classification Sherloc (09022015). Collection method: clinical testing. Allele origin: germline.
Comment: This sequence change replaces isoleucine, which is neutral and non-polar, with methionine, which is neutral and non-polar, at codon 1256 of the ATM protein (p.Ile1256Met). This variant is present in population databases (rs765538231, gnomAD 0.002%). This variant has not been reported in the literature in individuals affected with ATM-related conditions. ClinVar contains an entry for this variant (Variation ID: 650877). Invitae Evidence Modeling of protein sequence and biophysical properties (such as structural, functional, and spatial information, amino acid conservation, physicochemical variation, residue mobility, and thermodynamic stability) indicates that this missense variant is not expected to disrupt ATM protein function with a negative predictive value of 95%. In summary, the available evidence is currently insufficient to determine the role of this variant in disease. Therefore, it has been classified as a Variant of Uncertain Significance.

Ambry Genetics
Classification: Uncertain significance for Hereditary cancer-predisposing syndrome. Last evaluated: 2023-08-01. Review status: criteria provided, single submitter. Criteria: Ambry Variant Classification Scheme 2023. Collection method: clinical testing. Allele origin: germline.
Comment: The p.I1256M variant (also known as c.3768T>G), located in coding exon 25 of the ATM gene, results from a T to G substitution at nucleotide position 3768. The isoleucine at codon 1256 is replaced by methionine, an amino acid with highly similar properties. This amino acid position is not well conserved in available vertebrate species. In addition, this alteration is predicted to be tolerated by in silico analysis. Since supporting evidence is limited at this time, the clinical significance of this alteration remains unclear.

NM_000051.4(ATM):c.3768T>G (p.Ile1256Met)

Gene: ATM (ATM serine/threonine kinase; plus strand). Cytogenetic location: 11q22.3.
Variant type: single nucleotide variant.
Coding change: c.3768T>G on transcript NM_000051.4 (MANE Select); coding-DNA position 3768, T replaced by G.
Protein change: p.Ile1256Met; replaces isoleucine 1256 with methionine.
Molecular consequence: missense variant.
Genome position (GRCh38, 1-based): chr11:108,284,248, T>G. VCF-style: chr11-108284248-T-G. GRCh37 (hg19) VCF-style: chr11-108154975-T-G.
Other names: c.3768T>G, p.Ile1256Met (NM_001351834.2); short protein forms I1256M.
Identifiers: ClinVar variation 650877 (VCV000650877.9), dbSNP rs765538231, ClinGen allele CA6265351.